The following is an entry in ClinVar:

ClinVar aggregate classification (germline): Uncertain significance. Review status: criteria provided, multiple submitters, no conflicts (2 of 4 stars). 8 submissions from 8 submitters: Uncertain significance (8). Last evaluated 2026-02-20.

Conditions:
Polymerase proofreading-related adenomatous polyposis. Also called: Polymerase proofreading associated polyposis; Polymerase proofreading–associated polyposis (PPAP). Identifiers: Orphanet 447877, MedGen C5202613, MONDO:0018653.
Hereditary cancer-predisposing syndrome. Also called: Hereditary neoplastic syndrome; Neoplastic Syndromes, Hereditary; Hereditary Cancer Syndrome; Tumor predisposition. Identifiers: Orphanet 140162, MedGen C0027672, MeSH D009386, MONDO:0015356.
Colorectal cancer, susceptibility to, 12 (CRCS12). Also called: COLORECTAL CANCER, SUSCEPTIBILITY TO, ON CHROMOSOME 12q24. Identifiers: Orphanet 220460, MedGen C3554460, MONDO:0014038, OMIM 615083.

Allele frequency attached by ClinVar (database versions not stated): gnomAD 0.00003; TOPMed 0.00003; gnomAD exomes 0.00004; ESP Exome Variant Server 0.00008; ExAC 0.00009.

Submissions (8):

St. Jude Molecular Pathology, St. Jude Children's Research Hospital
Classification: Uncertain significance for Colorectal cancer, susceptibility to, 12. Last evaluated: 2026-02-20. Review status: criteria provided, single submitter. Criteria: St. Jude Assertion Criteria 2020. Collection method: clinical testing. Allele origin: germline.
Comment: the POLE gene are associated with polymerase proofreading-associated polyposis which includes predisposition to colorectal adenomas and carcinomas (OMIM ID: 615083). Of note, all individuals diagnosed with POLE-a ssociated colorectal adenomas and carcinomas to date have had pathogenic missense variants affecting the exonuclease domain. Pathogenic variants affecting both copies of the POLE gene are associated with FILS syndrome (OMIM ID: 615139) and IMAGE-I syndro me (OMIM ID: 618336). The POLE c.4091G>A p.(Arg1364His) missense change has a maximum subpopulation frequency of 0.01% in gnomAD v2.1.1. The in silico tool REVEL is inconclusive about a pathogenic or benign effect of t his variant on protein function, and to our knowledge functional studies have not been performed. To our knowledge, this variant has not been reported in the literature in individuals with POLE-related disease. In summary, the evidence currently availabl e is insufficient to determine the clinical significance of this variant. It has therefore been classified as of uncertain significance.

Center for Genomic Medicine, Rigshospitalet, Copenhagen University Hospital
Classification: Uncertain significance. Last evaluated: 2025-12-29. Review status: criteria provided, single submitter. Criteria: ACMG Guidelines, 2015. Collection method: clinical testing. Allele origin: germline.

Ambry Genetics
Classification: Uncertain significance for Hereditary cancer-predisposing syndrome. Last evaluated: 2025-01-29. Review status: criteria provided, single submitter. Criteria: Ambry Variant Classification Scheme 2023. Collection method: clinical testing. Allele origin: germline.
Comment: The p.R1364H variant (also known as c.4091G>A), located in coding exon 32 of the POLE gene, results from a G to A substitution at nucleotide position 4091. The arginine at codon 1364 is replaced by histidine, an amino acid with highly similar properties. This amino acid position is conserved. In addition, the in silico prediction for this alteration is inconclusive. Based on the available evidence, the clinical significance of this variant remains unclear.

Labcorp Genetics (formerly Invitae), Labcorp
Classification: Uncertain significance. Last evaluated: 2025-01-28. Review status: criteria provided, single submitter. Criteria: Invitae Variant Classification Sherloc (09022015). Collection method: clinical testing. Allele origin: germline.
Comment: This sequence change replaces arginine, which is basic and polar, with histidine, which is basic and polar, at codon 1364 of the POLE protein (p.Arg1364His). This variant is present in population databases (rs369171111, gnomAD 0.01%). This missense change has been observed in individual(s) with colorectal cancer (PMID: 31360874). ClinVar contains an entry for this variant (Variation ID: 405848). Invitae Evidence Modeling of protein sequence and biophysical properties (such as structural, functional, and spatial information, amino acid conservation, physicochemical variation, residue mobility, and thermodynamic stability) indicates that this missense variant is not expected to disrupt POLE protein function with a negative predictive value of 80%. In summary, the available evidence is currently insufficient to determine the role of this variant in disease. Therefore, it has been classified as a Variant of Uncertain Significance.

Women's Health and Genetics/Laboratory Corporation of America, LabCorp
Classification: Uncertain significance. Last evaluated: 2023-04-27. Review status: criteria provided, single submitter. Criteria: LabCorp Variant Classification Summary - May 2015. Collection method: clinical testing. Allele origin: germline.
Comment: Variant summary: POLE c.4091G>A (p.Arg1364His) results in a non-conservative amino acid change in the encoded protein sequence. Five of five in-silico tools predict a damaging effect of the variant on protein function. The variant allele was found at a frequency of 4.4e-05 in 250788 control chromosomes. The observed variant frequency is approximately 3-fold of the estimated maximal expected allele frequency for a pathogenic variant in POLE causing Colorectal Cancer phenotype (1.4e-05, gnomAD), suggesting that the variant is benign. c.4091G>A has been reported in the literature in at least one individual affected with Colorectal Cancer without strong evidence of causality (Toh_2018). This report does not provide unequivocal conclusions about association of the variant with Colorectal Cancer. To our knowledge, no experimental evidence demonstrating an impact on protein function has been reported. The following publication has been ascertained in the context of this evaluation (PMID: 31360874). Three submitters have provided clinical-significance assessments for this variant to ClinVar after 2014, and classified the variant as uncertain significance. Based on the evidence outlined above, the variant was classified as VUS-possibly benign.

GeneDx
Classification: Uncertain significance. Last evaluated: 2022-11-30. Review status: criteria provided, single submitter. Criteria: GeneDx Variant Classification Process June 2021. Collection method: clinical testing. Allele origin: germline. Affected: yes.
Comment: In silico analysis supports that this missense variant has a deleterious effect on protein structure/function; Has not been previously published as pathogenic or benign to our knowledge

Blueprint Genetics
Classification: Uncertain significance. Last evaluated: 2021-07-05. Review status: criteria provided, single submitter. Criteria: ACMG Guidelines, 2015. Collection method: clinical testing. Allele origin: germline.

Department of Pathology and Laboratory Medicine, Sinai Health System
Classification: Uncertain significance for Polymerase proofreading-related adenomatous polyposis. Last evaluated: 2021-05-18. Review status: criteria provided, single submitter. Criteria: ACMG Guidelines, 2015. Collection method: clinical testing. Allele origin: germline. Affected: yes.

Literature cited by the submitters: PubMed 31360874 (cited by Labcorp Genetics (formerly Invitae), Labcorp and Women's Health and Genetics/Laboratory Corporation of America, LabCorp).

NM_006231.4(POLE):c.4091G>A (p.Arg1364His)

Gene: POLE (DNA polymerase epsilon, catalytic subunit; minus strand). Cytogenetic location: 12q24.33.
Variant type: single nucleotide variant.
Coding change: c.4091G>A on transcript NM_006231.4 (MANE Select); coding-DNA position 4091, G replaced by A.
Protein change: p.Arg1364His; replaces arginine 1364 with histidine.
Molecular consequence: missense variant.
Genome position (GRCh38, 1-based): chr12:132,648,987, C>T on the plus strand (G>A on the coding strand, the complement: POLE is on the minus strand). VCF-style: chr12-132648987-C-T. GRCh37 (hg19) VCF-style: chr12-133225573-C-T.
Other names: short protein forms R1364H.
Identifiers: ClinVar variation 405848 (VCV000405848.16), dbSNP rs369171111, ClinGen allele CA6893002.